The following is an entry in ClinVar:

ClinVar aggregate classification (germline): Benign/Likely benign. Review status: criteria provided, multiple submitters, no conflicts (2 of 4 stars). 6 submissions from 6 submitters: Benign (2); Likely benign (3). 1 of the submissions does not count toward it. Last evaluated 2026-01-15.

Conditions:
Charcot-Marie-Tooth disease type 4. Also called: Charcot-Marie-Tooth disease, type IV; Charcot-Marie-Tooth, Type 4. Identifiers: Orphanet 64749, MedGen C4082197, MONDO:0018995.
SH3TC2-related disorder. Also called: SH3TC2-related disorders; SH3TC2-related condition. Identifiers: MedGen CN239303.
Inborn genetic diseases. Identifiers: MedGen C0950123, MeSH D030342.

Allele frequency attached by ClinVar (database versions not stated): gnomAD exomes 0.00017 and 0.00055; ExAC 0.00069; gnomAD 0.00200 and 0.00213; TOPMed 0.00209; ESP Exome Variant Server 0.00215; 1000 Genomes Project 0.00260; 1000 Genomes Project 30x 0.00297.
gnomAD v4.1: 556 of 1,614,018 alleles (0.034%); highest among the groups gnomAD compares: African/African-American, 0.68%; 4 homozygotes.

Submissions (6):

Labcorp Genetics (formerly Invitae), Labcorp
Classification: Benign for Charcot-Marie-Tooth disease type 4. Last evaluated: 2026-01-15. Review status: criteria provided, single submitter. Criteria: Invitae Variant Classification Sherloc (09022015). Collection method: clinical testing. Allele origin: germline.

Blueprint Genetics
Classification: Likely benign. Last evaluated: 2024-02-12. Review status: criteria provided, single submitter. Criteria: ACMG Guidelines, 2015. Collection method: clinical testing. Allele origin: germline.

Ambry Genetics
Classification: Likely benign for Inborn genetic diseases. Last evaluated: 2019-07-11. Review status: criteria provided, single submitter. Criteria: Ambry Variant Classification Scheme 2023. Collection method: clinical testing. Allele origin: germline.

Athena Diagnostics
Classification: Likely benign. Last evaluated: 2018-09-21. Review status: criteria provided, single submitter. Criteria: Athena Diagnostics Criteria. Collection method: clinical testing. Allele origin: germline.

GeneDx
Classification: Benign. Last evaluated: 2015-04-26. Review status: criteria provided, single submitter. Criteria: GeneDx Variant Classification (06012015). Collection method: clinical testing. Allele origin: germline. Affected: yes.
Comment: This variant is considered likely benign or benign based on one or more of the following criteria: it is a conservative change, it occurs at a poorly conserved position in the protein, it is predicted to be benign by multiple in silico algorithms, and/or has population frequency not consistent with disease.

PreventionGenetics, part of Exact Sciences
Classification: Benign for SH3TC2-related condition. Last evaluated: 2019-12-05. Review status: no assertion criteria provided. Collection method: clinical testing. Allele origin: germline. Not counted in ClinVar's aggregate classification.
Comment: This variant is classified as benign based on ACMG/AMP sequence variant interpretation guidelines (Richards et al. 2015 PMID: 25741868, with internal and published modifications).

NM_024577.4(SH3TC2):c.1473C>T (p.Phe491=)

Gene: SH3TC2 (SH3 domain and tetratricopeptide repeats 2; minus strand). Cytogenetic location: 5q32.
Variant type: single nucleotide variant.
Coding change: c.1473C>T on transcript NM_024577.4 (MANE Select); coding-DNA position 1473, C replaced by T.
Protein change: p.Phe491=; no amino-acid change (phenylalanine 491 retained).
Molecular consequence: synonymous variant.
Genome position (GRCh38, 1-based): chr5:149,028,259, G>A on the plus strand (C>T on the coding strand, the complement: SH3TC2 is on the minus strand). VCF-style: chr5-149028259-G-A. GRCh37 (hg19) VCF-style: chr5-148407822-G-A.
Identifiers: ClinVar variation 378578 (VCV000378578.18), dbSNP rs144016931, ClinGen allele CA3499169.